The following is an entry in ClinVar:

NM_017534.6(MYH2):c.1804del (p.Asp602fs)

Genes: MYHAS (myosin heavy chain gene cluster antisense RNA; plus strand), MYH2 (myosin heavy chain 2; minus strand). Cytogenetic location: 17p13.1.
Variant type: Deletion.
Coding change: c.1804del on transcript NM_017534.6 (MANE Select); coding-DNA position 1804, one base deleted (G; older notation c.1804delG).
Protein change: p.Asp602fs; shifts the reading frame from aspartic acid 602.
Molecular consequence: frameshift variant.
Genome position (GRCh38, 1-based): chr17:10,537,326, C deleted on the plus strand (G on the coding strand, the reverse complement: MYH2 is on the minus strand); the first of 2 consecutive C bases (chr17:10,537,326-10,537,327); deleting either gives the same sequence. VCF-style (leftmost placement, unchanged base first): chr17-10537325-TC-T. GRCh37 (hg19) VCF-style: chr17-10440642-TC-T.
Other names: c.1804del, p.Asp602fs (NM_001100112.2); short protein forms D602fs.
Identifiers: ClinVar variation 3698590 (VCV003698590.2).

ClinVar aggregate classification (germline): Pathogenic (1 of 4 stars; one submission).

Conditions:
Myopathy, proximal, and ophthalmoplegia (CMYO6). Also called: CONGENITAL MYOPATHY 6 WITH OPHTHALMOPLEGIA; MYOPATHY WITH CONGENITAL JOINT CONTRACTURES, OPHTHALMOPLEGIA, AND RIMMED VACUOLES; INCLUSION BODY MYOPATHY 3, AUTOSOMAL DOMINANT. Identifiers: Orphanet 363677, Orphanet 79091, MedGen C1854106, MONDO:0011577, OMIM 605637.

Submission:

Labcorp Genetics (formerly Invitae), Labcorp
Classification: Pathogenic for Myopathy, proximal, and ophthalmoplegia. Last evaluated: 2024-06-12. Review status: criteria provided, single submitter. Criteria: Invitae Variant Classification Sherloc (09022015). Collection method: clinical testing. Allele origin: germline.
Comment: This sequence change creates a premature translational stop signal (p.Asp602Thrfs*3) in the MYH2 gene. It is expected to result in an absent or disrupted protein product. Loss-of-function variants in MYH2 are known to be pathogenic (PMID: 20418530, 23388406, 24193343). This variant is not present in population databases (gnomAD no frequency). This variant has not been reported in the literature in individuals affected with MYH2-related conditions. For these reasons, this variant has been classified as Pathogenic.

Literature cited by the submitters: PubMed 20418530; PubMed 23388406; PubMed 24193343.